The following is an entry in ClinVar:

ClinVar aggregate classification (germline): Uncertain significance. Review status: criteria provided, multiple submitters, no conflicts (2 of 4 stars). 2 submissions from 2 submitters: Uncertain significance (2). Last evaluated 2025-01-17.

Conditions:
Epileptic encephalopathy. Identifiers: MedGen C0543888, HP:0200134.

Allele frequency attached by ClinVar (database versions not stated): TOPMed below 0.00001; ExAC 0.00002; gnomAD exomes 0.00002.
gnomAD v4.1: 15 of 1,612,928 alleles (0.00093%); highest among the groups gnomAD compares: South Asian, 0.015%; no homozygotes.

Submissions (2):

Ambry Genetics
Classification: Uncertain significance. Last evaluated: 2025-01-17. Review status: criteria provided, single submitter. Criteria: Ambry Variant Classification Scheme 2023. Collection method: clinical testing. Allele origin: germline.

Labcorp Genetics (formerly Invitae), Labcorp
Classification: Uncertain significance for Epileptic encephalopathy. Last evaluated: 2022-08-31. Review status: criteria provided, single submitter. Criteria: Invitae Variant Classification Sherloc (09022015). Collection method: clinical testing. Allele origin: germline.
Comment: In summary, the available evidence is currently insufficient to determine the role of this variant in disease. Therefore, it has been classified as a Variant of Uncertain Significance. Algorithms developed to predict the effect of missense changes on protein structure and function are either unavailable or do not agree on the potential impact of this missense change (SIFT: "Tolerated"; PolyPhen-2: "Possibly Damaging"; Align-GVGD: "Class C0"). ClinVar contains an entry for this variant (Variation ID: 1407476). This variant has not been reported in the literature in individuals affected with FASN-related conditions. This variant is present in population databases (rs779573465, gnomAD 0.01%). This sequence change replaces alanine, which is neutral and non-polar, with serine, which is neutral and polar, at codon 526 of the FASN protein (p.Ala526Ser).

NM_004104.5(FASN):c.1576G>T (p.Ala526Ser)

Gene: FASN (fatty acid synthase; minus strand). Cytogenetic location: 17q25.3.
Variant type: single nucleotide variant.
Coding change: c.1576G>T on transcript NM_004104.5 (MANE Select); coding-DNA position 1576, G replaced by T.
Protein change: p.Ala526Ser; replaces alanine 526 with serine.
Molecular consequence: missense variant.
Genome position (GRCh38, 1-based): chr17:82,090,986, C>A on the plus strand (G>T on the coding strand, the complement: FASN is on the minus strand). VCF-style: chr17-82090986-C-A. GRCh37 (hg19) VCF-style: chr17-80048862-C-A.
Other names: c.1576G>T (NM_004104.4); short protein forms A526S.
Identifiers: ClinVar variation 1407476 (VCV001407476.9), dbSNP rs779573465, ClinGen allele CA8853102.